The following is an entry in ClinVar:

ClinVar aggregate classification (germline): Uncertain significance. Review status: criteria provided, multiple submitters, no conflicts (2 of 4 stars). 2 submissions from 2 submitters: Uncertain significance (2). Last evaluated 2025-10-06.

Conditions:
Pancreatic adenocarcinoma. Identifiers: MedGen C0281361, MONDO:0006047, HP:0006725.

Submissions (2):

Ambry Genetics
Classification: Uncertain significance. Last evaluated: 2025-10-06. Review status: criteria provided, single submitter. Criteria: Ambry Variant Classification Scheme 2023. Collection method: clinical testing. Allele origin: germline.
Comment: The p.G39S variant (also known as c.115G>A), located in coding exon 1 of the PALLD gene, results from a G to A substitution at nucleotide position 115. The glycine at codon 39 is replaced by serine, an amino acid with similar properties. This amino acid position is conserved. In addition, this alteration is predicted to be tolerated by in silico analysis. Based on the available evidence, the clinical significance of this variant remains unclear.

Labcorp Genetics (formerly Invitae), Labcorp
Classification: Uncertain significance for Pancreatic adenocarcinoma. Last evaluated: 2025-03-19. Review status: criteria provided, single submitter. Criteria: Invitae Variant Classification Sherloc (09022015). Collection method: clinical testing. Allele origin: germline.
Comment: This sequence change replaces glycine, which is neutral and non-polar, with serine, which is neutral and polar, at codon 39 of the PALLD protein (p.Gly39Ser). This variant is not present in population databases (gnomAD no frequency). This variant has not been reported in the literature in individuals affected with PALLD-related conditions. ClinVar contains an entry for this variant (Variation ID: 2139813). An algorithm developed to predict the effect of missense changes on protein structure and function (PolyPhen-2) suggests that this variant is likely to be tolerated. In summary, the available evidence is currently insufficient to determine the role of this variant in disease. Therefore, it has been classified as a Variant of Uncertain Significance.

NM_001166108.2(PALLD):c.1965-12916G>A

Gene: PALLD (palladin, cytoskeletal associated protein; plus strand). Cytogenetic location: 4q32.3.
Variant type: single nucleotide variant.
Coding change: c.1965-12916G>A on transcript NM_001166108.2 (MANE Select); 12916 bases into the intron before coding-DNA position 1965, G replaced by A.
Molecular consequence: intron variant. On other transcripts: missense variant (1).
Genome position (GRCh38, 1-based): chr4:168,878,006, G>A. VCF-style: chr4-168878006-G-A. GRCh37 (hg19) VCF-style: chr4-169799157-G-A.
Other names: c.115G>A, p.Gly39Ser (NM_001166110.2); c.1965-12916G>A (NM_016081.4); c.819-12916G>A (NM_001166109.2); c.-157-12916G>A (NM_001367570.1, NM_001367568.1, NM_001367567.1 and 1 more transcripts); c.115G>A (NM_001166110.1); short protein forms G39S.
Identifiers: ClinVar variation 2139813 (VCV002139813.5), dbSNP rs2533434649, ClinGen allele CA358795073.